The following is an entry in ClinVar:

NM_152564.5(VPS13B):c.2972G>A (p.Cys991Tyr)

Gene: VPS13B (vacuolar protein sorting 13 homolog B; plus strand). Cytogenetic location: 8q22.2.
Variant type: single nucleotide variant.
Coding change: c.2972G>A on transcript NM_152564.5 (MANE Select); coding-DNA position 2972, G replaced by A.
Protein change: p.Cys991Tyr; replaces cysteine 991 with tyrosine.
Molecular consequence: missense variant.
Genome position (GRCh38, 1-based): chr8:99,391,594, G>A. VCF-style: chr8-99391594-G-A. GRCh37 (hg19) VCF-style: chr8-100403822-G-A.
Other names: c.2972G>A, p.Cys991Tyr (NM_017890.5); short protein forms C991Y.
Identifiers: ClinVar variation 3609041 (VCV003609041.2).

ClinVar aggregate classification (germline): Uncertain significance (1 of 4 stars; one submission).

Conditions:
Cohen syndrome (COH1). Also called: Cutis verticis gyrata, retinitis pigmentosa, and sensorineural deafness; PEPPER SYNDROME. Identifiers: Orphanet 193, MedGen C0265223, MONDO:0008999, OMIM 216550.

gnomAD v4.1: 2 of 1,614,188 alleles (0.00012%); highest among the groups gnomAD compares: Non-Finnish European, 0.00017%; no homozygotes.

Submission:

Labcorp Genetics (formerly Invitae), Labcorp
Classification: Uncertain significance for Cohen syndrome. Last evaluated: 2024-02-26. Review status: criteria provided, single submitter. Criteria: Invitae Variant Classification Sherloc (09022015). Collection method: clinical testing. Allele origin: germline.
Comment: This sequence change replaces cysteine, which is neutral and slightly polar, with tyrosine, which is neutral and polar, at codon 991 of the VPS13B protein (p.Cys991Tyr). This variant is present in population databases (rs755689771, gnomAD 0.006%). This variant has not been reported in the literature in individuals affected with VPS13B-related conditions. Advanced modeling of protein sequence and biophysical properties (such as structural, functional, and spatial information, amino acid conservation, physicochemical variation, residue mobility, and thermodynamic stability) performed at Invitae indicates that this missense variant is not expected to disrupt VPS13B protein function with a negative predictive value of 80%. In summary, the available evidence is currently insufficient to determine the role of this variant in disease. Therefore, it has been classified as a Variant of Uncertain Significance.